The following is an entry in ClinVar:

ClinVar aggregate classification (germline): Uncertain significance. Review status: criteria provided, multiple submitters, no conflicts (2 of 4 stars). 2 submissions from 2 submitters: Uncertain significance (2). Last evaluated 2022-08-12.

Conditions:
Alpha-methylacyl-CoA racemase deficiency (AMACRD). Also called: AMACR deficiency. Identifiers: Orphanet 79095, MedGen C3280428, MONDO:0013681, OMIM 614307. Disease mechanism: loss of function.

Allele frequency attached by ClinVar (database versions not stated): gnomAD exomes below 0.00001.
gnomAD v4.1: 4 of 1,614,182 alleles (0.00025%); highest among the groups gnomAD compares: Admixed American, 0.0033%; no homozygotes.

Submissions (2):

Labcorp Genetics (formerly Invitae), Labcorp
Classification: Uncertain significance for Alpha-methylacyl-CoA racemase deficiency. Last evaluated: 2022-08-12. Review status: criteria provided, single submitter. Criteria: Invitae Variant Classification Sherloc (09022015). Collection method: clinical testing. Allele origin: germline.
Comment: Algorithms developed to predict the effect of missense changes on protein structure and function output the following: SIFT: "Deleterious"; PolyPhen-2: "Benign"; Align-GVGD: "Class C25". The isoleucine amino acid residue is found in multiple mammalian species, which suggests that this missense change does not adversely affect protein function. ClinVar contains an entry for this variant (Variation ID: 353252). This variant has not been reported in the literature in individuals affected with AMACR-related conditions. This variant is not present in population databases (gnomAD no frequency). This sequence change replaces valine, which is neutral and non-polar, with isoleucine, which is neutral and non-polar, at codon 297 of the AMACR protein (p.Val297Ile). In summary, the available evidence is currently insufficient to determine the role of this variant in disease. Therefore, it has been classified as a Variant of Uncertain Significance.

Illumina Laboratory Services, Illumina
Classification: Uncertain significance for Alpha-methylacyl-CoA racemase deficiency. Last evaluated: 2018-01-13. Review status: criteria provided, single submitter. Criteria: ICSL Variant Classification Criteria 13 December 2019. Collection method: clinical testing. Allele origin: germline.

NM_014324.6(AMACR):c.889G>A (p.Val297Ile)

Genes: C1QTNF3-AMACR (C1QTNF3-AMACR readthrough (NMD candidate); minus strand), AMACR (alpha-methylacyl-CoA racemase; minus strand). Cytogenetic location: 5p13.2.
Variant type: single nucleotide variant.
Coding change: c.889G>A on transcript NM_014324.6 (MANE Select); coding-DNA position 889, G replaced by A.
Protein change: p.Val297Ile; replaces valine 297 with isoleucine.
Molecular consequence: missense variant. On other transcripts: non-coding transcript variant (1), 3 prime UTR variant (1).
Genome position (GRCh38, 1-based): chr5:33,989,353, C>T on the plus strand (G>A on the coding strand, the complement: AMACR is on the minus strand). VCF-style: chr5-33989353-C-T. GRCh37 (hg19) VCF-style: chr5-33989458-C-T.
Other names: c.889G>A, p.Val297Ile (NM_001167595.2); c.*131G>A (NM_203382.3); short protein forms V297I.
Identifiers: ClinVar variation 353252 (VCV000353252.8), dbSNP rs886060530, ClinGen allele CA10621623.